The following is an entry in ClinVar:

ClinVar aggregate classification (germline): Uncertain significance (1 of 4 stars; one submission).

Submission:

GeneDx
Classification: Uncertain significance. Last evaluated: 2022-04-26. Review status: criteria provided, single submitter. Criteria: GeneDx Variant Classification Process June 2021. Collection method: clinical testing. Allele origin: germline. Affected: yes.
Comment: Not observed at significant frequency in large population cohorts (gnomAD); In silico analysis supports that this missense variant has a deleterious effect on protein structure/function; Has not been previously published as pathogenic or benign to our knowledge

NM_018136.5(ASPM):c.3715A>G (p.Met1239Val)

Gene: ASPM (assembly factor for spindle microtubules; minus strand). Cytogenetic location: 1q31.3.
Variant type: single nucleotide variant.
Coding change: c.3715A>G on transcript NM_018136.5 (MANE Select); coding-DNA position 3715, A replaced by G.
Protein change: p.Met1239Val; replaces methionine 1239 with valine.
Molecular consequence: missense variant.
Genome position (GRCh38, 1-based): chr1:197,122,185, T>C on the plus strand (A>G on the coding strand, the complement: ASPM is on the minus strand). VCF-style: chr1-197122185-T-C. GRCh37 (hg19) VCF-style: chr1-197091315-T-C.
Other names: c.3715A>G, p.Met1239Val (NM_001206846.2); short protein forms M1239V.
Identifiers: ClinVar variation 1712552 (VCV001712552.2), dbSNP rs2527346098, ClinGen allele CA344039194.